The following is an entry in ClinVar:

NM_001370259.2(MEN1):c.*9G>A

Gene: MEN1 (menin 1; minus strand). Cytogenetic location: 11q13.1.
Variant type: single nucleotide variant.
Coding change: c.*9G>A on transcript NM_001370259.2 (MANE Select); 9 bases downstream of the stop codon, G replaced by A.
Molecular consequence: 3 prime UTR variant. On other transcripts: non-coding transcript variant (4).
Genome position (GRCh38, 1-based): chr11:64,804,325, C>T on the plus strand (G>A on the coding strand, the complement: MEN1 is on the minus strand). VCF-style: chr11-64804325-C-T. GRCh37 (hg19) VCF-style: chr11-64571797-C-T.
Other names: c.*9G>A (NM_000244.4, NM_001370251.2, NM_001407144.1 and 20 more transcripts).
Identifiers: ClinVar variation 3773270 (VCV003773270.1).

ClinVar aggregate classification (germline): Benign (1 of 4 stars; one submission).

Conditions:
Multiple endocrine neoplasia, type 1 (MEN1). Also called: MEN I; WERMER SYNDROME; Endocrine adenomatosis multiple; MEN 1; MEA I. Identifiers: Orphanet 652, MedGen C0025267, MeSH D018761, MONDO:0007540, OMIM 131100.

gnomAD v4.1: 2 of 1,614,052 alleles (0.00012%); highest among the groups gnomAD compares: East Asian, 0.0045%; no homozygotes.

Submission:

Myriad Genetics, Inc.
Classification: Benign for Multiple endocrine neoplasia, type 1. Last evaluated: 2024-11-05. Review status: criteria provided, single submitter. Criteria: Myriad Autosomal Dominant, Autosomal Recessive and X-Linked Classification Criteria (2023). Collection method: clinical testing. Allele origin: unknown.
Comment: This variant is considered benign. This variant occurs in the non-coding 3' untranslated region of the gene, and is not expected to impact protein function.